The following is an entry in ClinVar:

NM_015331.3(NCSTN):c.883G>T (p.Ala295Ser)

Gene: NCSTN (nicastrin; plus strand). Cytogenetic location: 1q23.2.
Variant type: single nucleotide variant.
Coding change: c.883G>T on transcript NM_015331.3 (MANE Select); coding-DNA position 883, G replaced by T.
Protein change: p.Ala295Ser; replaces alanine 295 with serine.
Molecular consequence: missense variant. On other transcripts: intron variant (1).
Genome position (GRCh38, 1-based): chr1:160,352,093, G>T. VCF-style: chr1-160352093-G-T. GRCh37 (hg19) VCF-style: chr1-160321883-G-T.
Other names: c.823G>T, p.Ala275Ser (NM_001290184.2); c.883G>T, p.Ala295Ser (NM_001349729.2); c.583-794G>T (NM_001290186.2); short protein forms A275S, A295S.
Identifiers: ClinVar variation 1909986 (VCV001909986.5), dbSNP rs750728892, ClinGen allele CA1198842.

ClinVar aggregate classification (germline): Uncertain significance (1 of 4 stars; one submission).

Allele frequency attached by ClinVar (database versions not stated): ExAC 0.00002.
gnomAD v4.1: 4 of 1,614,234 alleles (0.00025%); highest among the groups gnomAD compares: Admixed American, 0.0033%; no homozygotes.

Submission:

Labcorp Genetics (formerly Invitae), Labcorp
Classification: Uncertain significance. Last evaluated: 2022-05-17. Review status: criteria provided, single submitter. Criteria: Invitae Variant Classification Sherloc (09022015). Collection method: clinical testing. Allele origin: germline.
Comment: This variant has not been reported in the literature in individuals affected with NCSTN-related conditions. This variant is present in population databases (rs750728892, gnomAD 0.006%). This sequence change replaces alanine, which is neutral and non-polar, with serine, which is neutral and polar, at codon 295 of the NCSTN protein (p.Ala295Ser). Algorithms developed to predict the effect of missense changes on protein structure and function are either unavailable or do not agree on the potential impact of this missense change (SIFT: "Tolerated"; PolyPhen-2: "Probably Damaging"; Align-GVGD: "Class C0"). In summary, the available evidence is currently insufficient to determine the role of this variant in disease. Therefore, it has been classified as a Variant of Uncertain Significance.